The following is an entry in ClinVar:

ClinVar aggregate classification (germline): Pathogenic (1 of 4 stars; one submission).

Submission:

Labcorp Genetics (formerly Invitae), Labcorp
Classification: Pathogenic. Last evaluated: 2017-12-05. Review status: criteria provided, single submitter. Criteria: Invitae Variant Classification Sherloc (09022015). Collection method: clinical testing. Allele origin: germline.
Comment: Loss-of-function variants in FH are known to be pathogenic (PMID: 11865300, 21398687). This variant has not been reported in the literature in individuals with FH-related disease. This variant is not present in population databases (ExAC no frequency). This sequence change creates a premature translational stop signal (p.Thr331Asnfs*11) in the FH gene. It is expected to result in an absent or disrupted protein product. For these reasons, this variant has been classified as Pathogenic.

Literature cited by the submitters: PubMed 11865300; PubMed 21398687.

NM_000143.4(FH):c.991dup (p.Thr331fs)

Gene: FH (fumarate hydratase; minus strand). Cytogenetic location: 1q43.
Variant type: Duplication.
Coding change: c.991dup on transcript NM_000143.4 (MANE Select); coding-DNA position 991, one base duplicated (A; older notation c.991dupA).
Protein change: p.Thr331fs; shifts the reading frame from threonine 331.
Molecular consequence: frameshift variant.
Genome position (GRCh38, 1-based): chr1:241,504,159, T duplicated on the plus strand (A on the coding strand, the reverse complement: FH is on the minus strand). VCF-style (leftmost placement, unchanged base first): chr1-241504158-G-GT. GRCh37 (hg19) VCF-style: chr1-241667458-G-GT.
Other names: c.991dupA (NM_000143.3); short protein forms T331fs.
Identifiers: ClinVar variation 529808 (VCV000529808.7), dbSNP rs1553341034, ClinGen allele CA658795654.